The following is an entry in ClinVar:

NM_201596.3(CACNB2):c.804+167T>C

Gene: CACNB2 (calcium voltage-gated channel auxiliary subunit beta 2; plus strand). Cytogenetic location: 10p12.31.
Variant type: single nucleotide variant.
Coding change: c.804+167T>C on transcript NM_201596.3 (MANE Select); 167 bases into the intron after coding-DNA position 804, T replaced by C.
Molecular consequence: intron variant.
Genome position (GRCh38, 1-based): chr10:18,514,536, T>C. VCF-style: chr10-18514536-T-C. GRCh37 (hg19) VCF-style: chr10-18803465-T-C.
Other names: c.720+167T>C (NM_201571.4); c.606+6T>C (NM_001167945.2); c.587-444T>C (NM_201572.4); c.690+6T>C (NM_201593.3); c.671-444T>C (NM_201597.3); c.639+167T>C (NM_000724.4); c.525+6T>C (NM_001330060.2); c.642+167T>C (NM_201590.3); and 1 more.
Identifiers: ClinVar variation 506331 (VCV000506331.1), dbSNP rs1554835266, ClinGen allele CA658797403.

ClinVar aggregate classification (germline): Likely benign (1 of 4 stars; one submission).

Allele frequency attached by ClinVar (database versions not stated): gnomAD exomes below 0.00001; gnomAD 0.00001.
gnomAD v4.1: 2 of 1,613,642 alleles (0.00012%); highest among the groups gnomAD compares: Admixed American, 0.0033%; no homozygotes.

Submission:

GeneDx
Classification: Likely benign. Last evaluated: 2017-07-12. Review status: criteria provided, single submitter. Criteria: GeneDx Variant Classification (06012015). Collection method: clinical testing. Allele origin: germline. Affected: yes.
Comment: This variant is considered likely benign or benign based on one or more of the following criteria: it is a conservative change, it occurs at a poorly conserved position in the protein, it is predicted to be benign by multiple in silico algorithms, and/or has population frequency not consistent with disease.